The following is an entry in ClinVar:

NM_007373.4(SHOC2):c.1330C>G (p.Leu444Val)

Gene: SHOC2 (SHOC2 leucine rich repeat scaffold protein; plus strand). Cytogenetic location: 10q25.2.
Variant type: single nucleotide variant.
Coding change: c.1330C>G on transcript NM_007373.4 (MANE Select); coding-DNA position 1330, C replaced by G.
Protein change: p.Leu444Val; replaces leucine 444 with valine.
Molecular consequence: missense variant. On other transcripts: non-coding transcript variant (1).
Genome position (GRCh38, 1-based): chr10:111,009,293, C>G. VCF-style: chr10-111009293-C-G. GRCh37 (hg19) VCF-style: chr10-112769051-C-G.
Other names: c.1192C>G, p.Leu398Val (NM_001269039.3); c.1330C>G, p.Leu444Val (NM_001324336.2, NM_001324337.2); short protein forms L398V, L444V.
Identifiers: ClinVar variation 3609887 (VCV003609887.2).

ClinVar aggregate classification (germline): Uncertain significance (1 of 4 stars; one submission).

Conditions:
RASopathy. Also called: rasopathies; Noonan spectrum disorder. Identifiers: Orphanet 536391, MedGen C5555857, MONDO:0021060.

gnomAD v4.1: 3 of 1,594,590 alleles (0.00019%); highest among the groups gnomAD compares: African/African-American, 0.0013%; no homozygotes.

Submission:

Labcorp Genetics (formerly Invitae), Labcorp
Classification: Uncertain significance for RASopathy. Last evaluated: 2024-10-04. Review status: criteria provided, single submitter. Criteria: Invitae Variant Classification Sherloc (09022015). Collection method: clinical testing. Allele origin: germline.
Comment: This sequence change replaces leucine, which is neutral and non-polar, with valine, which is neutral and non-polar, at codon 444 of the SHOC2 protein (p.Leu444Val). This variant is not present in population databases (gnomAD no frequency). This variant has not been reported in the literature in individuals affected with SHOC2-related conditions. Invitae Evidence Modeling of protein sequence and biophysical properties (such as structural, functional, and spatial information, amino acid conservation, physicochemical variation, residue mobility, and thermodynamic stability) indicates that this missense variant is not expected to disrupt SHOC2 protein function with a negative predictive value of 80%. In summary, the available evidence is currently insufficient to determine the role of this variant in disease. Therefore, it has been classified as a Variant of Uncertain Significance.